The following is an entry in ClinVar:

ClinVar aggregate classification (germline): Uncertain significance. Review status: criteria provided, multiple submitters, no conflicts (2 of 4 stars). 2 submissions from 2 submitters: Uncertain significance (2). Last evaluated 2025-12-01.

Conditions:
Inborn genetic diseases. Identifiers: MedGen C0950123, MeSH D030342.

gnomAD v4.1: 3 of 1,609,658 alleles (0.00019%); highest among the groups gnomAD compares: South Asian, 0.0033%; no homozygotes.

Submissions (2):

Labcorp Genetics (formerly Invitae), Labcorp
Classification: Uncertain significance. Last evaluated: 2025-12-01. Review status: criteria provided, single submitter. Criteria: Invitae Variant Classification Sherloc (09022015). Collection method: clinical testing. Allele origin: germline.
Comment: This sequence change replaces leucine, which is neutral and non-polar, with phenylalanine, which is neutral and non-polar, at codon 57 of the SLC34A1 protein (p.Leu57Phe). This variant is present in population databases (rs763646910, gnomAD 0.003%). This variant has not been reported in the literature in individuals affected with SLC34A1-related conditions. ClinVar contains an entry for this variant (Variation ID: 3444008). An algorithm developed to predict the effect of missense changes on protein structure and function (PolyPhen-2) suggests that this variant is likely to be disruptive. In summary, the available evidence is currently insufficient to determine the role of this variant in disease. Therefore, it has been classified as a Variant of Uncertain Significance.

Ambry Genetics
Classification: Uncertain significance for Inborn genetic diseases. Last evaluated: 2024-10-07. Review status: criteria provided, single submitter. Criteria: Ambry Variant Classification Scheme 2023. Collection method: clinical testing. Allele origin: germline.

NM_003052.5(SLC34A1):c.169C>T (p.Leu57Phe)

Gene: SLC34A1 (solute carrier family 34 member 1; plus strand). Cytogenetic location: 5q35.3.
Variant type: single nucleotide variant.
Coding change: c.169C>T on transcript NM_003052.5 (MANE Select); coding-DNA position 169, C replaced by T.
Protein change: p.Leu57Phe; replaces leucine 57 with phenylalanine.
Molecular consequence: missense variant.
Genome position (GRCh38, 1-based): chr5:177,386,046, C>T. VCF-style: chr5-177386046-C-T. GRCh37 (hg19) VCF-style: chr5-176813047-C-T.
Other names: c.169C>T, p.Leu57Phe (NM_001167579.2); short protein forms L57F.
Identifiers: ClinVar variation 3444008 (VCV003444008.2).